The following is an entry in ClinVar:

NM_002734.5(PRKAR1A):c.552C>G (p.Val184=)

Gene: PRKAR1A (protein kinase cAMP-dependent type I regulatory subunit alpha; plus strand). Cytogenetic location: 17q24.2.
Variant type: single nucleotide variant.
Coding change: c.552C>G on transcript NM_002734.5 (MANE Select); coding-DNA position 552, C replaced by G.
Protein change: p.Val184=; no amino-acid change (valine 184 retained).
Molecular consequence: synonymous variant.
Genome position (GRCh38, 1-based): chr17:68,525,756, C>G. VCF-style: chr17-68525756-C-G. GRCh37 (hg19) VCF-style: chr17-66521897-C-G.
Other names: c.552C>G, p.Val184= (NM_001276289.2, NM_001276290.1, NM_001278433.2 and 4 more transcripts).
Identifiers: ClinVar variation 508357 (VCV000508357.28), dbSNP rs751501857, ClinGen allele CA8729319.

ClinVar aggregate classification (germline): Conflicting classifications of pathogenicity. Review status: criteria provided, conflicting classifications (1 of 4 stars). 5 submissions from 5 submitters: Uncertain significance (1); Likely benign (4). Last evaluated 2025-10-22.

Conditions:
Hereditary cancer-predisposing syndrome. Also called: Neoplastic Syndromes, Hereditary; Hereditary Cancer Syndrome; Tumor predisposition; Hereditary neoplastic syndrome. Identifiers: Orphanet 140162, MedGen C0027672, MeSH D009386, MONDO:0015356.
Carney complex, type 1 (CNC1). Also called: CARNEY COMPLEX, TYPE I; CARNEY MYXOMA-ENDOCRINE COMPLEX. Identifiers: Orphanet 1359, MedGen C2607929, MONDO:0008057, OMIM 160980.

Allele frequency attached by ClinVar (database versions not stated): gnomAD exomes 0.00001; ExAC 0.00002; TOPMed 0.00004; gnomAD 0.00005.
gnomAD v4.1: 15 of 1,613,496 alleles (0.00093%); highest among the groups gnomAD compares: African/African-American, 0.02%; no homozygotes.

Submissions (5):

Labcorp Genetics (formerly Invitae), Labcorp
Classification: Likely benign for Carney complex, type 1. Last evaluated: 2025-10-22. Review status: criteria provided, single submitter. Criteria: Invitae Variant Classification Sherloc (09022015). Collection method: clinical testing. Allele origin: germline.

Women's Health and Genetics/Laboratory Corporation of America, LabCorp
Classification: Uncertain significance. Last evaluated: 2025-02-03. Review status: criteria provided, single submitter. Criteria: LabCorp Variant Classification Summary - May 2015. Collection method: clinical testing. Allele origin: germline.

CeGaT Center for Human Genetics Tuebingen
Classification: Likely benign. Last evaluated: 2025-02-01. Review status: criteria provided, single submitter. Criteria: CeGaT Center For Human Genetics Tuebingen Variant Classification Criteria Version 2. Collection method: clinical testing. Allele origin: germline. Affected: yes. Observed: 1 variant allele.
Comment: PRKAR1A: BP4, BP7

Ambry Genetics
Classification: Likely benign for Hereditary cancer-predisposing syndrome. Last evaluated: 2020-01-13. Review status: criteria provided, single submitter. Criteria: Ambry Variant Classification Scheme 2023. Collection method: clinical testing. Allele origin: germline.

GeneDx
Classification: Likely benign. Last evaluated: 2017-10-05. Review status: criteria provided, single submitter. Criteria: GeneDx Variant Classification (06012015). Collection method: clinical testing. Allele origin: germline. Affected: yes.
Comment: This variant is considered likely benign or benign based on one or more of the following criteria: it is a conservative change, it occurs at a poorly conserved position in the protein, it is predicted to be benign by multiple in silico algorithms, and/or has population frequency not consistent with disease.